The following is an entry in ClinVar:

NM_017827.4(SARS2):c.187T>C (p.Phe63Leu)

Genes: SARS2 (seryl-tRNA synthetase 2, mitochondrial; minus strand), LOC130064387 (ATAC-STARR-seq lymphoblastoid active region 14604; plus strand). Cytogenetic location: 19q13.2.
Variant type: single nucleotide variant.
Coding change: c.187T>C on transcript NM_017827.4 (MANE Select); coding-DNA position 187, T replaced by C.
Protein change: p.Phe63Leu; replaces phenylalanine 63 with leucine.
Molecular consequence: missense variant.
Genome position (GRCh38, 1-based): chr19:38,930,550, A>G on the plus strand (T>C on the coding strand, the complement: SARS2 is on the minus strand). VCF-style: chr19-38930550-A-G. GRCh37 (hg19) VCF-style: chr19-39421190-A-G.
Other names: c.187T>C, p.Phe63Leu (NM_001145901.2); c.187T>C (NM_017827.3); short protein forms F63L.
Identifiers: ClinVar variation 2421329 (VCV002421329.8), dbSNP rs1974720875, ClinGen allele CA405741831.

ClinVar aggregate classification (germline): Uncertain significance. Review status: criteria provided, multiple submitters, no conflicts (2 of 4 stars). 2 submissions from 2 submitters: Uncertain significance (2). Last evaluated 2025-07-17.

Allele frequency attached by ClinVar (database versions not stated): gnomAD 0.00001; gnomAD exomes 0.00001; TOPMed 0.00002.
gnomAD v4.1: 8 of 1,613,584 alleles (0.0005%); highest among the groups gnomAD compares: Middle Eastern, 0.016%; no homozygotes.

Submissions (2):

GeneDx
Classification: Uncertain significance. Last evaluated: 2025-07-17. Review status: criteria provided, single submitter. Criteria: GeneDx Variant Classification Process June 2021. Collection method: clinical testing. Allele origin: germline. Affected: yes.
Comment: Not observed at significant frequency in large population cohorts (gnomAD); In silico analysis suggests that this missense variant does not alter protein structure/function; Has not been previously published as pathogenic or benign to our knowledge

Labcorp Genetics (formerly Invitae), Labcorp
Classification: Uncertain significance. Last evaluated: 2024-04-29. Review status: criteria provided, single submitter. Criteria: Invitae Variant Classification Sherloc (09022015). Collection method: clinical testing. Allele origin: germline.
Comment: This sequence change replaces phenylalanine, which is neutral and non-polar, with leucine, which is neutral and non-polar, at codon 63 of the SARS2 protein (p.Phe63Leu). This variant is not present in population databases (gnomAD no frequency). This variant has not been reported in the literature in individuals affected with SARS2-related conditions. ClinVar contains an entry for this variant (Variation ID: 2421329). Algorithms developed to predict the effect of missense changes on protein structure and function output the following: SIFT: "Not Available"; PolyPhen-2: "Benign"; Align-GVGD: "Not Available". The leucine amino acid residue is found in multiple mammalian species, which suggests that this missense change does not adversely affect protein function. In summary, the available evidence is currently insufficient to determine the role of this variant in disease. Therefore, it has been classified as a Variant of Uncertain Significance.